The following is an entry in ClinVar:

NM_002691.4(POLD1):c.497_525del (p.Arg166fs)

Gene: POLD1 (DNA polymerase delta 1, catalytic subunit; plus strand). Cytogenetic location: 19q13.33.
Variant type: Deletion.
Coding change: c.497_525del on transcript NM_002691.4 (MANE Select); coding-DNA positions 497 to 525, 29 bases deleted (GGGAGCTGAACTTGGCCATCAGCCGGGAC).
Protein change: p.Arg166fs; shifts the reading frame from arginine 166.
Molecular consequence: frameshift variant. On other transcripts: non-coding transcript variant (1).
Genome position (GRCh38, 1-based): chr19:50,402,032-50,402,060, GGGAGCTGAACTTGGCCATCAGCCGGGAC deleted; deleting any 29 consecutive bases within chr19:50,402,030-50,402,060 gives the same sequence; the c. name uses the placement nearest the transcript's 3' end. VCF-style (leftmost placement, unchanged base first): chr19-50402029-AACGGGAGCTGAACTTGGCCATCAGCCGGG-A. GRCh37 (hg19) VCF-style: chr19-50905286-AACGGGAGCTGAACTTGGCCATCAGCCGGG-A.
Other names: c.497_525del, p.Arg166fs (NM_001256849.1, NM_001308632.1); short protein forms R166fs.
Identifiers: ClinVar variation 2806771 (VCV002806771.3), dbSNP rs2513958763, ClinGen allele CA2739276937.
Genomic context (GRCh38, chr19:50,402,029, plus strand): 5'-CTGCACCTCTGATCATCCCTCCCACACCAGGTTTCGGGCCCGAGCACATGGGTGACCTGC[AACGGGAGCTGAACTTGGCCATCAGCCGGG>A]ACAGTCGCGGGGGGAGGGAGCTGACTGGGCCGGCCGTGCTGGCTGTGGAACTGTGCTCCC-3'

ClinVar aggregate classification (germline): Uncertain significance (1 of 4 stars; one submission).

Conditions:
POLD1-related polyposis and colorectal cancer syndrome (CRCS10). Also called: Colorectal cancer 10; Colorectal cancer, susceptibility to, 10; COLORECTAL CANCER, SUSCEPTIBILITY TO, ON CHROMOSOME 19q. Identifiers: Orphanet 220460, MedGen C2675481, MONDO:0012953, OMIM 612591.

Submission:

Labcorp Genetics (formerly Invitae), Labcorp
Classification: Uncertain significance for POLD1-related polyposis and colorectal cancer syndrome. Last evaluated: 2022-12-01. Review status: criteria provided, single submitter. Criteria: Invitae Variant Classification Sherloc (09022015). Collection method: clinical testing. Allele origin: germline.
Comment: This variant has not been reported in the literature in individuals affected with POLD1-related conditions. This variant is not present in population databases (gnomAD no frequency). This sequence change creates a premature translational stop signal (p.Arg166Glnfs*76) in the POLD1 gene. Missense variants that disrupt the 3'-5' exonuclease (proof-reading) activity of the POLD1 protein are associated with PPAP (polymerase proofreading–associated polyposis) (PMID: 23263490, 23447401). However, loss-of-function variants that result in an absent or severely disrupted POLD1 protein, and missense variants outside the exonuclease domain, are unlikely to be associated with PPAP. In summary, the available evidence is currently insufficient to determine the role of this variant in disease. Therefore, it has been classified as a Variant of Uncertain Significance.

Literature cited by the submitters: PubMed 23263490; PubMed 23447401.